The following is an entry in ClinVar:

ClinVar aggregate classification (germline): Uncertain significance (1 of 4 stars; one submission).

Conditions:
Hereditary cancer-predisposing syndrome. Also called: Hereditary Cancer Syndrome; Neoplastic Syndromes, Hereditary; Tumor predisposition; Hereditary neoplastic syndrome. Identifiers: Orphanet 140162, MedGen C0027672, MeSH D009386, MONDO:0015356.

Submission:

Ambry Genetics
Classification: Uncertain significance for Hereditary cancer-predisposing syndrome. Last evaluated: 2022-07-28. Review status: criteria provided, single submitter. Criteria: Ambry Variant Classification Scheme 2023. Collection method: clinical testing. Allele origin: germline.
Comment: The p.Q165R variant (also known as c.494A>G), located in coding exon 4 of the POLD1 gene, results from an A to G substitution at nucleotide position 494. The glutamine at codon 165 is replaced by arginine, an amino acid with highly similar properties. This amino acid position is conserved. In addition, this alteration is predicted to be tolerated by in silico analysis. Since supporting evidence is limited at this time, the clinical significance of this alteration remains unclear.

NM_002691.4(POLD1):c.494A>G (p.Gln165Arg)

Gene: POLD1 (DNA polymerase delta 1, catalytic subunit; plus strand). Cytogenetic location: 19q13.33.
Variant type: single nucleotide variant.
Coding change: c.494A>G on transcript NM_002691.4 (MANE Select); coding-DNA position 494, A replaced by G.
Protein change: p.Gln165Arg; replaces glutamine 165 with arginine.
Molecular consequence: missense variant. On other transcripts: non-coding transcript variant (1).
Genome position (GRCh38, 1-based): chr19:50,402,029, A>G. VCF-style: chr19-50402029-A-G. GRCh37 (hg19) VCF-style: chr19-50905286-A-G.
Other names: c.494A>G, p.Gln165Arg (NM_001256849.1, NM_001308632.1); short protein forms Q165R.
Identifiers: ClinVar variation 1744309 (VCV001744309.2), dbSNP rs2122237887, ClinGen allele CA406973009.